The following is an entry in ClinVar:

ClinVar aggregate classification (germline): Uncertain significance. Review status: criteria provided, multiple submitters, no conflicts (2 of 4 stars). 6 submissions from 6 submitters: Uncertain significance (5). 1 of the submissions does not count toward it. Last evaluated 2026-01-28.

Conditions:
Hereditary cancer-predisposing syndrome. Also called: Tumor predisposition; Hereditary Cancer Syndrome; Neoplastic Syndromes, Hereditary; Hereditary neoplastic syndrome. Identifiers: Orphanet 140162, MedGen C0027672, MeSH D009386, MONDO:0015356.
Familial cancer of breast. Also called: Hereditary breast cancer; hereditary breast carcinoma; BREAST CANCER, FAMILIAL. Identifiers: Orphanet 227535, MedGen C0346153, MONDO:0016419, OMIM 114480. Disease mechanism: loss of function.
Ataxia-telangiectasia syndrome (AT). Also called: Cerebello-oculocutaneous telangiectasia; Immunodeficiency with ataxia telangiectasia; Ataxia-telangiectasia, complementation group D; AT, COMPLEMENTATION GROUP C; Ataxia-telangiectasia, complementation group E; LOUIS-BAR SYNDROME. Identifiers: Orphanet 100, MedGen C0004135, MONDO:0008840, OMIM 208900.

Allele frequency attached by ClinVar (database versions not stated): gnomAD exomes below 0.00001 and 0.00001; gnomAD 0.00002 and 0.00003; TOPMed 0.00002.
gnomAD v4.1: 9 of 1,613,538 alleles (0.00056%); highest among the groups gnomAD compares: African/African-American, 0.0093%; no homozygotes.

Submissions (6):

Labcorp Genetics (formerly Invitae), Labcorp
Classification: Uncertain significance for Ataxia-telangiectasia syndrome. Last evaluated: 2026-01-28. Review status: criteria provided, single submitter. Criteria: Invitae Variant Classification Sherloc (09022015). Collection method: clinical testing. Allele origin: germline.
Comment: This sequence change replaces serine, which is neutral and polar, with asparagine, which is neutral and polar, at codon 142 of the ATM protein (p.Ser142Asn). This variant is present in population databases (rs755618506, gnomAD 0.002%). This missense change has been observed in individual(s) with melanoma (PMID: 34262154). ClinVar contains an entry for this variant (Variation ID: 453509). Invitae Evidence Modeling of protein sequence and biophysical properties (such as structural, functional, and spatial information, amino acid conservation, physicochemical variation, residue mobility, and thermodynamic stability) indicates that this missense variant is not expected to disrupt ATM protein function with a negative predictive value of 95%. In summary, the available evidence is currently insufficient to determine the role of this variant in disease. Therefore, it has been classified as a Variant of Uncertain Significance.

Ambry Genetics
Classification: Uncertain significance for Hereditary cancer-predisposing syndrome. Last evaluated: 2023-11-30. Review status: criteria provided, single submitter. Criteria: Ambry Variant Classification Scheme 2023. Collection method: clinical testing. Allele origin: germline.
Comment: The p.S142N variant (also known as c.425G>A), located in coding exon 4 of the ATM gene, results from a G to A substitution at nucleotide position 425. The serine at codon 142 is replaced by asparagine, an amino acid with highly similar properties. This amino acid position is highly conserved in available vertebrate species. In addition, this alteration is predicted to be tolerated by in silico analysis. Since supporting evidence is limited at this time, the clinical significance of this alteration remains unclear.

Baylor Genetics
Classification: Uncertain significance for Familial cancer of breast. Last evaluated: 2023-06-09. Review status: criteria provided, single submitter. Criteria: ACMG Guidelines, 2015. Collection method: clinical testing. Allele origin: unknown.

GeneDx
Classification: Uncertain significance. Last evaluated: 2022-05-12. Review status: criteria provided, single submitter. Criteria: GeneDx Variant Classification Process June 2021. Collection method: clinical testing. Allele origin: germline. Affected: yes.
Comment: Not observed at significant frequency in large population cohorts (gnomAD); In silico analysis supports that this missense variant does not alter protein structure/function; Has not been previously published as pathogenic or benign to our knowledge

Color Diagnostics, LLC DBA Color Health
Classification: Uncertain significance for Hereditary cancer-predisposing syndrome. Last evaluated: 2019-03-18. Review status: criteria provided, single submitter. Criteria: ACMG Guidelines, 2015. Collection method: clinical testing. Allele origin: germline.

Natera, Inc.
Classification: Uncertain significance for Ataxia-telangiectasia. Last evaluated: 2021-01-26. Review status: no assertion criteria provided. Collection method: clinical testing. Allele origin: germline. Not counted in ClinVar's aggregate classification.

Literature cited by the submitters: PubMed 34262154 (cited by Labcorp Genetics (formerly Invitae), Labcorp).

NM_000051.4(ATM):c.425G>A (p.Ser142Asn)

Gene: ATM (ATM serine/threonine kinase; plus strand). Cytogenetic location: 11q22.3.
Variant type: single nucleotide variant.
Coding change: c.425G>A on transcript NM_000051.4 (MANE Select); coding-DNA position 425, G replaced by A.
Protein change: p.Ser142Asn; replaces serine 142 with asparagine.
Molecular consequence: missense variant.
Genome position (GRCh38, 1-based): chr11:108,235,763, G>A. VCF-style: chr11-108235763-G-A. GRCh37 (hg19) VCF-style: chr11-108106490-G-A.
Other names: c.425G>A, p.Ser142Asn (NM_001351834.2); short protein forms S142N.
Identifiers: ClinVar variation 453509 (VCV000453509.23), dbSNP rs755618506, ClinGen allele CA228374844.